The following is an entry in ClinVar:

NM_006904.7(PRKDC):c.7071G>T (p.Glu2357Asp)

Gene: PRKDC (protein kinase, DNA-activated, catalytic subunit; minus strand). Cytogenetic location: 8q11.21.
Variant type: single nucleotide variant.
Coding change: c.7071G>T on transcript NM_006904.7 (MANE Select); coding-DNA position 7071, G replaced by T.
Protein change: p.Glu2357Asp; replaces glutamic acid 2357 with aspartic acid.
Molecular consequence: missense variant.
Genome position (GRCh38, 1-based): chr8:47,849,438, C>A on the plus strand (G>T on the coding strand, the complement: PRKDC is on the minus strand). VCF-style: chr8-47849438-C-A. GRCh37 (hg19) VCF-style: chr8-48761999-C-A.
Other names: c.7071G>T, p.Glu2357Asp (NM_001081640.2); short protein forms E2357D.
Identifiers: ClinVar variation 1757013 (VCV001757013.2), dbSNP rs991589731, ClinGen allele CA371157921.
Genomic context (GRCh38, chr8:47,849,438, plus strand): 5'-CCTGTCTGCAAGAGGAGGGAAGCTCTTGGTCACTTTGTTCAAGCACACAATAAACTTGTC[C>A]TCCATAGTATTCTGATGTTGCTTCAATTGTTTCGCAACCAGTTCACACAGAGACTCCTCC-3'
Protein context (NP_008835.5, residues 2347-2367): KQLKQHQNTM[Glu2357Asp]DKFIVCLNKV

ClinVar aggregate classification (germline): Uncertain significance (1 of 4 stars; one submission).

Submission:

Ambry Genetics
Classification: Uncertain significance. Last evaluated: 2021-07-05. Review status: criteria provided, single submitter. Criteria: Ambry Variant Classification Scheme 2023. Collection method: clinical testing. Allele origin: germline.
Comment: The p.E2357D variant (also known as c.7071G>T), located in coding exon 53 of the PRKDC gene, results from a G to T substitution at nucleotide position 7071. The glutamic acid at codon 2357 is replaced by aspartic acid, an amino acid with highly similar properties. This amino acid position is conserved. In addition, this alteration is predicted to be deleterious by in silico analysis. Since supporting evidence is limited at this time, the clinical significance of this alteration remains unclear.